The following is an entry in ClinVar:

NM_001374353.1(GLI2):c.307del (p.Leu103fs)

Gene: GLI2 (GLI family zinc finger 2; plus strand). Cytogenetic location: 2q14.2.
Variant type: Deletion.
Coding change: c.307del on transcript NM_001374353.1 (MANE Select); coding-DNA position 307, one base deleted (C; older notation c.307delC).
Protein change: p.Leu103fs; shifts the reading frame from leucine 103.
Molecular consequence: frameshift variant. On other transcripts: 5 prime UTR variant (1).
Genome position (GRCh38, 1-based): chr2:120,951,295, C deleted. VCF-style (leftmost placement, unchanged base first): chr2-120951294-GC-G. GRCh37 (hg19) VCF-style: chr2-121708870-GC-G.
Other names: c.307del, p.Leu103fs (NM_001371271.1, NM_005270.5); c.-69del (NM_001374354.1); short protein forms L103fs.
Identifiers: ClinVar variation 4293415 (VCV004293415.1).

ClinVar aggregate classification (germline): Likely pathogenic (1 of 4 stars; one submission).

Conditions:
Holoprosencephaly 9 (HPE9). Also called: PITUITARY ANOMALIES WITH HOLOPROSENCEPHALY-LIKE FEATURES; HOLOPROSENCEPHALY WITH MICROPHTHALMIA AND FIRST BRANCHIAL ARCH ANOMALIES. Identifiers: Orphanet 2162, MedGen C1835819, MONDO:0012563, OMIM 610829.

Submission:

3billion
Classification: Likely pathogenic for Holoprosencephaly 9. Last evaluated: 2024-11-13. Review status: criteria provided, single submitter. Criteria: ACMG Guidelines, 2015. Collection method: clinical testing. Allele origin: germline. Affected: yes.
Comment: The variant is not observed in the gnomAD v4.1.0 dataset. Predicted Consequence/Location: Frameshift: predicted to result in a loss or disruption of normal protein function through nonsense-mediated decay (NMD) or protein truncation. Multiple pathogenic variants are reported downstream of the variant. Therefore, this variant is classified as Likely pathogenic according to the recommendation of ACMG/AMP guideline.